The following is an entry in ClinVar:

ClinVar aggregate classification (germline): Uncertain significance (1 of 4 stars; one submission).

Conditions:
Osteogenesis imperfecta type 8 (OI8). Identifiers: MedGen C1970458, MONDO:0012581, OMIM 610915.

gnomAD v4.1: 13 of 1,614,020 alleles (0.00081%); highest among the groups gnomAD compares: East Asian, 0.022%; no homozygotes.

Submission:

Labcorp Genetics (formerly Invitae), Labcorp
Classification: Uncertain significance for Osteogenesis imperfecta type 8. Last evaluated: 2022-05-08. Review status: criteria provided, single submitter. Criteria: Invitae Variant Classification Sherloc (09022015). Collection method: clinical testing. Allele origin: germline.
Comment: This sequence change falls in intron 3 of the P3H1 gene. It does not directly change the encoded amino acid sequence of the P3H1 protein. It affects a nucleotide within the consensus splice site. This variant is present in population databases (rs368972030, gnomAD 0.06%). This variant has not been reported in the literature in individuals affected with P3H1-related conditions. Variants that disrupt the consensus splice site are a relatively common cause of aberrant splicing (PMID: 17576681, 9536098). Algorithms developed to predict the effect of sequence changes on RNA splicing suggest that this variant may create or strengthen a splice site. In summary, the available evidence is currently insufficient to determine the role of this variant in disease. Therefore, it has been classified as a Variant of Uncertain Significance.

Literature cited by the submitters: PubMed 17576681; PubMed 9536098.

NM_022356.4(P3H1):c.808+5G>T

Gene: P3H1 (prolyl 3-hydroxylase 1; minus strand). Cytogenetic location: 1p34.2.
Variant type: single nucleotide variant.
Coding change: c.808+5G>T on transcript NM_022356.4 (MANE Select); 5 bases into the intron after coding-DNA position 808, G replaced by T.
Molecular consequence: intron variant.
Genome position (GRCh38, 1-based): chr1:42,759,196, C>A on the plus strand (G>T on the coding strand, the complement: P3H1 is on the minus strand). VCF-style: chr1-42759196-C-A. GRCh37 (hg19) VCF-style: chr1-43224867-C-A.
Other names: c.808+5G>T (NM_001146289.2, NM_001243246.2).
Identifiers: ClinVar variation 2074250 (VCV002074250.1), dbSNP rs368972030, ClinGen allele CA802073.